The following is an entry in ClinVar:

NM_000417.3(IL2RA):c.332G>A (p.Ser111Asn)

Gene: IL2RA (interleukin 2 receptor subunit alpha; minus strand). Cytogenetic location: 10p15.1.
Variant type: single nucleotide variant.
Coding change: c.332G>A on transcript NM_000417.3 (MANE Select); coding-DNA position 332, G replaced by A.
Protein change: p.Ser111Asn; replaces serine 111 with asparagine.
Molecular consequence: missense variant.
Genome position (GRCh38, 1-based): chr10:6,024,279, C>T on the plus strand (G>A on the coding strand, the complement: IL2RA is on the minus strand). VCF-style: chr10-6024279-C-T. GRCh37 (hg19) VCF-style: chr10-6066242-C-T.
Other names: c.332G>A, p.Ser111Asn (NM_001308242.2, NM_001308243.2); short protein forms S111N.
Identifiers: ClinVar variation 655937 (VCV000655937.13), dbSNP rs56054476, ClinGen allele CA5397492.
Genomic context (GRCh38, chr10:6,024,279, plus strand): 5'-GCTGGAGGACAGATTCATCTCTCACCTGGAAGGCTCGCTTGGTCCACTGGCTGCATTGGA[C>T]TTTGCATTTCTGTGGTTTTCCTTTCTTTCTGTTCTTCAGGTTGAGGTGTCACTTGTTTCG-3'
Protein context (NP_000408.1, residues 101-121): QKERKTTEMQ[Ser111Asn]PMQPVDQASL

ClinVar aggregate classification (germline): Uncertain significance. Review status: criteria provided, multiple submitters, no conflicts (2 of 4 stars). 3 submissions from 3 submitters: Uncertain significance (3). Last evaluated 2024-12-18.

Conditions:
Immunodeficiency due to CD25 deficiency. Also called: IMMUNODEFICIENCY 41 WITH LYMPHOPROLIFERATION AND AUTOIMMUNITY; IL2RA DEFICIENCY; CD25 DEFICIENCY. Identifiers: Orphanet 169100, MedGen C1853392, MONDO:0011664, OMIM 606367.

Allele frequency attached by ClinVar (database versions not stated): 1000 Genomes Project 30x 0.00047; ExAC 0.00022; gnomAD 0.00033 and 0.00031; ESP Exome Variant Server 0.00038; 1000 Genomes Project 0.00040; TOPMed 0.00046; gnomAD exomes 0.00034 and 0.00035.
gnomAD v4.1: 532 of 1,614,132 alleles (0.033%); highest among the groups gnomAD compares: Admixed American, 0.13%; no homozygotes.

Submissions (3):

Labcorp Genetics (formerly Invitae), Labcorp
Classification: Uncertain significance for Immunodeficiency due to CD25 deficiency. Last evaluated: 2024-12-18. Review status: criteria provided, single submitter. Criteria: Invitae Variant Classification Sherloc (09022015). Collection method: clinical testing. Allele origin: germline.
Comment: This sequence change replaces serine, which is neutral and polar, with asparagine, which is neutral and polar, at codon 111 of the IL2RA protein (p.Ser111Asn). This variant is present in population databases (rs56054476, gnomAD 0.1%). This variant has not been reported in the literature in individuals affected with IL2RA-related conditions. ClinVar contains an entry for this variant (Variation ID: 655937). Invitae Evidence Modeling of protein sequence and biophysical properties (such as structural, functional, and spatial information, amino acid conservation, physicochemical variation, residue mobility, and thermodynamic stability) indicates that this missense variant is not expected to disrupt IL2RA protein function with a negative predictive value of 80%. In summary, the available evidence is currently insufficient to determine the role of this variant in disease. Therefore, it has been classified as a Variant of Uncertain Significance.

Ambry Genetics
Classification: Uncertain significance. Last evaluated: 2024-05-13. Review status: criteria provided, single submitter. Criteria: Ambry Variant Classification Scheme 2023. Collection method: clinical testing. Allele origin: germline.

Illumina Laboratory Services, Illumina
Classification: Uncertain significance for Immunodeficiency due to CD25 deficiency. Last evaluated: 2017-04-28. Review status: criteria provided, single submitter. Criteria: ICSL Variant Classification Criteria 13 December 2019. Collection method: clinical testing. Allele origin: germline.